The following is an entry in ClinVar:

ClinVar aggregate classification (germline): Uncertain significance. Review status: criteria provided, multiple submitters, no conflicts (2 of 4 stars). 5 submissions from 5 submitters: Uncertain significance (5). Last evaluated 2025-03-26.

Conditions:
Hereditary cancer-predisposing syndrome. Also called: Tumor predisposition; Neoplastic Syndromes, Hereditary; Hereditary Cancer Syndrome; Hereditary neoplastic syndrome. Identifiers: Orphanet 140162, MedGen C0027672, MeSH D009386, MONDO:0015356.
Familial adenomatous polyposis 1 (FAP1). Also called: FAMILIAL ADENOMATOUS POLYPOSIS 1, ATTENUATED; POLYPOSIS, ADENOMATOUS INTESTINAL. Identifiers: MedGen C2713442, MONDO:0021056, OMIM 175100. Disease mechanism: loss of function.

gnomAD v4.1: 2 of 1,613,300 alleles (0.00012%); highest among the groups gnomAD compares: Non-Finnish European, 0.00017%; no homozygotes.

Submissions (5):

Ambry Genetics
Classification: Uncertain significance for Hereditary cancer-predisposing syndrome. Last evaluated: 2025-03-26. Review status: criteria provided, single submitter. Criteria: Ambry Variant Classification Scheme 2023. Collection method: clinical testing. Allele origin: germline.
Comment: The p.I2528S variant (also known as c.7583T>G), located in coding exon 15 of the APC gene, results from a T to G substitution at nucleotide position 7583. The isoleucine at codon 2528 is replaced by serine, an amino acid with dissimilar properties. This amino acid position is highly conserved in available vertebrate species. In addition, in silico predictors for this gene do not accurately predict pathogenicity. Missense alterations in APC are not a common cause of disease (Spier I et al. Genet Med. 2024 Feb;26(2):100992). Based on the available evidence, the clinical significance of this variant remains unclear.

Color Diagnostics, LLC DBA Color Health
Classification: Uncertain significance for Hereditary cancer-predisposing syndrome. Last evaluated: 2023-12-05. Review status: criteria provided, single submitter. Criteria: ACMG Guidelines, 2015. Collection method: clinical testing. Allele origin: germline.
Comment: This missense variant replaces isoleucine with serine at codon 2528 of the APC protein. Computational prediction is inconclusive regarding the impact of this variant on protein structure and function (internally defined REVEL score threshold 0.5 < inconclusive < 0.7, PMID: 27666373). To our knowledge, functional studies have not been reported for this variant. This variant has not been reported in individuals affected with APC-related disorders in the literature. This variant has been identified in 2/250780 chromosomes in the general population by the Genome Aggregation Database (gnomAD). The available evidence is insufficient to determine the role of this variant in disease conclusively. Therefore, this variant is classified as a Variant of Uncertain Significance.

Baylor Genetics
Classification: Uncertain significance for Familial adenomatous polyposis 1. Last evaluated: 2023-11-18. Review status: criteria provided, single submitter. Criteria: ACMG Guidelines, 2015. Collection method: clinical testing. Allele origin: unknown.

Blueprint Genetics
Classification: Uncertain significance. Last evaluated: 2023-03-27. Review status: criteria provided, single submitter. Criteria: ACMG Guidelines, 2015. Collection method: clinical testing. Allele origin: germline.

Labcorp Genetics (formerly Invitae), Labcorp
Classification: Uncertain significance for Familial adenomatous polyposis 1. Last evaluated: 2023-03-22. Review status: criteria provided, single submitter. Criteria: Invitae Variant Classification Sherloc (09022015). Collection method: clinical testing. Allele origin: germline.
Comment: This variant has not been reported in the literature in individuals affected with APC-related conditions. In summary, the available evidence is currently insufficient to determine the role of this variant in disease. Therefore, it has been classified as a Variant of Uncertain Significance. Advanced modeling of protein sequence and biophysical properties (such as structural, functional, and spatial information, amino acid conservation, physicochemical variation, residue mobility, and thermodynamic stability) performed at Invitae indicates that this missense variant is not expected to disrupt APC protein function. ClinVar contains an entry for this variant (Variation ID: 629874). This variant is present in population databases (rs730881264, gnomAD 0.002%). This sequence change replaces isoleucine, which is neutral and non-polar, with serine, which is neutral and polar, at codon 2528 of the APC protein (p.Ile2528Ser).

NM_000038.6(APC):c.7583T>G (p.Ile2528Ser)

Gene: APC (APC regulator of Wnt signaling pathway; plus strand). Cytogenetic location: 5q22.2.
Variant type: single nucleotide variant.
Coding change: c.7583T>G on transcript NM_000038.6 (MANE Select); coding-DNA position 7583, T replaced by G.
Protein change: p.Ile2528Ser; replaces isoleucine 2528 with serine.
Molecular consequence: missense variant.
Genome position (GRCh38, 1-based): chr5:112,843,177, T>G. VCF-style: chr5-112843177-T-G. GRCh37 (hg19) VCF-style: chr5-112178874-T-G.
Other names: c.7583T>G, p.Ile2528Ser (NM_001127510.3, NM_001354895.2); c.7529T>G, p.Ile2510Ser (NM_001127511.3); c.7637T>G, p.Ile2546Ser (NM_001354896.2); c.7613T>G, p.Ile2538Ser (NM_001354897.2); c.7508T>G, p.Ile2503Ser (NM_001354898.2); c.7499T>G, p.Ile2500Ser (NM_001354899.2); c.7460T>G, p.Ile2487Ser (NM_001354900.2); c.7406T>G, p.Ile2469Ser (NM_001354901.2); and 5 more; short protein forms I2510S, I2528S, I2245S, I2487S, I2546S, I2402S, I2427S, I2437S.
Identifiers: ClinVar variation 629874 (VCV000629874.15), dbSNP rs730881264, ClinGen allele CA048588.
Genomic context (GRCh38, chr5:112,843,177, plus strand): 5'-CACCTAATCTCAGTCCCACTATAGAGTATAATGATGGAAGACCAGCAAAGCGCCATGATA[T>G]TGCACGGTCTCATTCTGAAAGTCCTTCTAGACTTCCAATCAATAGGTCAGGAACCTGGAA-3'
Protein context (NP_000029.2, residues 2518-2538): NDGRPAKRHD[Ile2528Ser]ARSHSESPSR